The following is an entry in ClinVar:

ClinVar aggregate classification (germline): Pathogenic (1 of 4 stars; one submission).

Conditions:
Hereditary cancer-predisposing syndrome. Also called: Neoplastic Syndromes, Hereditary; Hereditary neoplastic syndrome; Tumor predisposition; Hereditary Cancer Syndrome. Identifiers: Orphanet 140162, MedGen C0027672, MeSH D009386, MONDO:0015356.

Submission:

Institute for Genomic Medicine (IGM) Clinical Laboratory, Nationwide Children's Hospital
Classification: Pathogenic for Hereditary cancer-predisposing syndrome. Last evaluated: 2024-10-30. Review status: criteria provided, single submitter. Criteria: ACMG Guidelines, 2015. Collection method: clinical testing. Allele origin: germline.
Comment: This variant is predicted to result in loss of function through nonsense-mediated decay of the encoded transcript or premature truncation of the encoded protein in a gene in which loss of function is a known mechanism of disease (ACMG/AMP: PVS1; PMIDs:21208904, 24933152). Well-established functional studies have demonstrated this variant to have a damaging effect on protein function or splicing (ACMG/AMP: PS3_Moderate; PMID:34003336). This variant is absent from or present at an exceedingly low frequency in gnomAD, a large-scale control population database (ACMG/AMP: PM2).

Literature cited by the submitters: PubMed 21208904; PubMed 24933152; PubMed 34003336.

NM_003073.5(SMARCB1):c.952C>T (p.Gln318Ter)

Gene: SMARCB1 (SWI/SNF related BAF chromatin remodeling complex subunit B1; plus strand). Cytogenetic location: 22q11.23.
Variant type: single nucleotide variant.
Coding change: c.952C>T on transcript NM_003073.5 (MANE Select); coding-DNA position 952, C replaced by T.
Protein change: p.Gln318Ter; replaces glutamine 318 with a stop codon.
Molecular consequence: nonsense.
Genome position (GRCh38, 1-based): chr22:23,825,381, C>T. VCF-style: chr22-23825381-C-T. GRCh37 (hg19) VCF-style: chr22-24167568-C-T.
Other names: c.925C>T, p.Gln309Ter (NM_001007468.3); c.979C>T, p.Gln327Ter (NM_001317946.2); c.1006C>T, p.Gln336Ter (NM_001362877.2); short protein forms Q309*, Q318*, Q327*, Q336*.
Identifiers: ClinVar variation 4759321 (VCV004759321.1).